The following is an entry in ClinVar:

ClinVar aggregate classification (germline): Uncertain significance (0 of 4 stars; one submission).

Conditions:
PHIP-related disorder. Also called: PHIP-related condition; PHIP-related disorders.

Submission:

PreventionGenetics, part of Exact Sciences
Classification: Uncertain significance for PHIP-related condition. Last evaluated: 2024-03-20. Review status: no assertion criteria provided. Collection method: clinical testing. Allele origin: germline.
Comment: The PHIP c.2189C>T variant is predicted to result in the amino acid substitution p.Ala730Val. To our knowledge, this variant has not been reported in the literature or in a large population database, indicating this variant is rare. At this time, the clinical significance of this variant is uncertain due to the absence of conclusive functional and genetic evidence.

NM_017934.7(PHIP):c.2189C>T (p.Ala730Val)

Gene: PHIP (PHIP subunit of CUL4-Ring ligase complex; minus strand). Cytogenetic location: 6q14.1.
Variant type: single nucleotide variant.
Coding change: c.2189C>T on transcript NM_017934.7 (MANE Select); coding-DNA position 2189, C replaced by T.
Protein change: p.Ala730Val; replaces alanine 730 with valine.
Molecular consequence: missense variant.
Genome position (GRCh38, 1-based): chr6:78,997,426, G>A on the plus strand (C>T on the coding strand, the complement: PHIP is on the minus strand). VCF-style: chr6-78997426-G-A. GRCh37 (hg19) VCF-style: chr6-79707143-G-A.
Other names: short protein forms A730V.
Identifiers: ClinVar variation 3348998 (VCV003348998.1).